The following is an entry in ClinVar:

NC_000017.10:g.(?_41196353)_(41197839_?)dup

Gene: BRCA1 (BRCA1 DNA repair associated; minus strand). Cytogenetic location: 17q21.31.
Variant type: Duplication.
Identifiers: ClinVar variation 3243000 (VCV003243000.1).

ClinVar aggregate classification (germline): Uncertain significance (1 of 4 stars; one submission).

Conditions:
Hereditary breast ovarian cancer syndrome. Also called: Hereditary breast and ovarian cancer syndrome; Hereditary breast and ovarian cancer; Hereditary breast and ovarian cancer syndrome (HBOC); Breast and ovarian cancer; Hereditary breast and/or ovarian cancer syndrome; BRCA1- and BRCA2-Associated Hereditary Breast and Ovarian Cancer. Identifiers: Orphanet 145, MedGen C0677776, MeSH D061325, MONDO:0003582. Disease mechanism: loss of function.

Submission:

Labcorp Genetics (formerly Invitae), Labcorp
Classification: Uncertain significance for Hereditary breast ovarian cancer syndrome. Last evaluated: 2023-09-27. Review status: criteria provided, single submitter. Criteria: Invitae Variant Classification Sherloc (09022015). Collection method: clinical testing. Allele origin: unknown.
Comment: This variant results in a copy number gain of the genomic region encompassing exon(s) 23 of the BRCA1 gene. This region includes the termination codon of the gene. This copy number gain extends beyond the assayed region for this gene and therefore may encompass additional genes. As the precise location of this event is unknown, it may be in tandem or it may be located elsewhere in the genome. This variant has not been reported in the literature in individuals affected with BRCA1-related conditions. Experimental studies and prediction algorithms are not available or were not evaluated, and the functional significance of this variant is currently unknown. In summary, the available evidence is currently insufficient to determine the role of this variant in disease. Therefore, it has been classified as a Variant of Uncertain Significance.